The following is an entry in ClinVar:

ClinVar aggregate classification (germline): Uncertain significance. Review status: criteria provided, multiple submitters, no conflicts (2 of 4 stars). 4 submissions from 4 submitters: Uncertain significance (4). Last evaluated 2026-09-20.

Conditions:
Hereditary breast ovarian cancer syndrome. Also called: Hereditary breast and ovarian cancer syndrome (HBOC); BRCA1- and BRCA2-Associated Hereditary Breast and Ovarian Cancer; Hereditary breast and/or ovarian cancer syndrome; Hereditary breast and ovarian cancer syndrome; Hereditary breast and ovarian cancer; Breast and ovarian cancer. Identifiers: Orphanet 145, MedGen C0677776, MeSH D061325, MONDO:0003582. Disease mechanism: loss of function.
BRCA1-related disorder. Also called: BRCA1-related condition.
Breast-ovarian cancer, familial, susceptibility to, 1 (BROVCA1). Also called: BRCA1 Hereditary Breast and Ovarian Cancer; OVARIAN CANCER, SUSCEPTIBILITY TO. Identifiers: Orphanet 145, MedGen C2676676, MONDO:0011450, OMIM 604370. Disease mechanism: loss of function.

Allele frequency attached by ClinVar (database versions not stated): gnomAD exomes 0.00002 and 0.00004; TOPMed 0.00007; gnomAD 0.00008 and 0.00009; 1000 Genomes Project 30x 0.00016; 1000 Genomes Project 0.00020.
gnomAD v4.1: 19 of 415,654 alleles (0.0046%); highest among the groups gnomAD compares: Admixed American, 0.017%; no homozygotes.

Submissions (4):

PreventionGenetics, part of Exact Sciences
Classification: Uncertain significance for BRCA1-related condition. Last evaluated: 2026-09-20. Review status: criteria provided, single submitter. Criteria: ACMG Guidelines, 2015. Collection method: clinical testing. Allele origin: germline.
Comment: The BRCA1 c.-116C>T variant is located in the 5' untranslated region. To our knowledge, this variant has not been reported in the literature. This variant is reported in 0.011% of alleles in individuals of Latino descent in gnomAD. This variant is classified as uncertain in ClinVar (Variation ID: 438908). At this time, the clinical significance of this variant is uncertain due to the absence of conclusive functional and genetic evidence.

German Consortium for Hereditary Breast and Ovarian Cancer, University Hospital Cologne
Classification: Uncertain significance for Hereditary breast ovarian cancer syndrome. Last evaluated: 2026-04-14. Review status: criteria provided, single submitter. Criteria: ClinGen BRCA1 1.2.0. Collection method: curation. Allele origin: germline.
Comment: This classification follows the ClinGen ENIGMA BRCA1 v1.2.0 classification scheme; We chose this criterion: BS1 (strong benign): gnomAD v3.1.2. (non-cancer) Grpmax Filtering AF = 0.0001287 (= 0.013%), thus > 0.01%; Based on evidence we decided that this criterion can not be selected: PP3 (supporting pathogenic): Apply PP3 for predicted splicing (SpliceAI ≥0.2) for silent, missense/in-frame (irrespective of location in clinically important functional domain) and for intronic variants outside of donor and acceptor 1,2 sites

Dasa
Classification: Uncertain significance for Breast-ovarian cancer, familial, susceptibility to, 1. Last evaluated: 2025-12-18. Review status: criteria provided, single submitter. Criteria: DASA Assertion Criteria. Collection method: clinical testing. Allele origin: germline.
Comment: NM_007294.4(BRCA1):c.-116C>T is an intronic variant. This variant is rare in population databases. Computational prediction algorithms are consistent with a deleterious effect. The currently available literature and clinical evidence are not sufficient to establish a definitive association between this variant and the reported condition. Therefore, this variant is classified as a variant of uncertain significance.

Quest Diagnostics Nichols Institute San Juan Capistrano
Classification: Uncertain significance. Last evaluated: 2017-06-12. Review status: criteria provided, single submitter. Criteria: Quest Diagnostics criteria. Collection method: clinical testing. Allele origin: germline.

NM_007294.4(BRCA1):c.-116C>T

Genes: BRCA1 (BRCA1 DNA repair associated; minus strand), LOC111589215 (BRCA1 promoter region; plus strand). Cytogenetic location: 17q21.31.
Variant type: single nucleotide variant.
Coding change: c.-116C>T on transcript NM_007294.4 (MANE Select); 116 bases upstream of the start codon, C replaced by T.
Molecular consequence: genic upstream transcript variant. On other transcripts: intron variant (1).
Genome position (GRCh38, 1-based): chr17:43,125,367, G>A on the plus strand (C>T on the coding strand, the complement: BRCA1 is on the minus strand). VCF-style: chr17-43125367-G-A. GRCh37 (hg19) VCF-style: chr17-41277384-G-A.
Other names: c.-61-9588C>T (NM_001408458.1).
Identifiers: ClinVar variation 438908 (VCV000438908.8), dbSNP rs548750620, ClinGen allele CA290828323.
Genomic context (GRCh38, chr17:43,125,367, plus strand): 5'-CAGGGGCCCAGTTATCTGAGAAACCCCACAGCCTGTCCCCCGTCCAGGAAGTCTCAGCGA[G>A]CTCACGCCGCGCAGTCGCAGTTTTAATTTATCTGTAATTCCCGCGCTTTTCCGTTGCCAC-3'